The following is an entry in ClinVar:

ClinVar aggregate classification (germline): Uncertain significance (1 of 4 stars; one submission).

Conditions:
Inborn genetic diseases. Identifiers: MedGen C0950123, MeSH D030342.

gnomAD v4.1: 8 of 1,614,038 alleles (0.0005%); highest among the groups gnomAD compares: Non-Finnish European, 0.00068%; no homozygotes.

Submission:

Ambry Genetics
Classification: Uncertain significance for Inborn genetic diseases. Last evaluated: 2021-07-23. Review status: criteria provided, single submitter. Criteria: Ambry Variant Classification Scheme 2023. Collection method: clinical testing. Allele origin: germline.
Comment: The p.T653S variant (also known as c.1958C>G), located in coding exon 21 of the ERCC2 gene, results from a C to G substitution at nucleotide position 1958. The threonine at codon 653 is replaced by serine, an amino acid with similar properties. This amino acid position is conserved. In addition, the in silico prediction for this alteration is inconclusive. Since supporting evidence is limited at this time, the clinical significance of this alteration remains unclear.

NM_000400.4(ERCC2):c.1958C>G (p.Thr653Ser)

Gene: ERCC2 (ERCC excision repair 2, TFIIH core complex helicase subunit; minus strand). Cytogenetic location: 19q13.32.
Variant type: single nucleotide variant.
Coding change: c.1958C>G on transcript NM_000400.4 (MANE Select); coding-DNA position 1958, C replaced by G.
Protein change: p.Thr653Ser; replaces threonine 653 with serine.
Molecular consequence: missense variant.
Genome position (GRCh38, 1-based): chr19:45,352,594, G>C on the plus strand (C>G on the coding strand, the complement: ERCC2 is on the minus strand). VCF-style: chr19-45352594-G-C. GRCh37 (hg19) VCF-style: chr19-45855852-G-C.
Other names: short protein forms T653S.
Identifiers: ClinVar variation 1783350 (VCV001783350.2), dbSNP rs763885481, ClinGen allele CA406363305.